The following is an entry in ClinVar:

ClinVar aggregate classification (germline): Likely pathogenic (1 of 4 stars; one submission).

gnomAD v4.1: 5 of 1,614,186 alleles (0.00031%); highest among the groups gnomAD compares: Non-Finnish European, 0.00042%; no homozygotes.

Submission:

Athena Diagnostics
Classification: Likely pathogenic. Last evaluated: 2023-01-27. Review status: criteria provided, single submitter. Criteria: Athena Diagnostics Criteria. Collection method: clinical testing. Allele origin: unknown.
Comment: This variant is expected to result in the loss of a functional protein. The frequency of this variant in the general population is consistent with pathogenicity.

NM_182961.4(SYNE1):c.10486G>T (p.Glu3496Ter)

Gene: SYNE1 (spectrin repeat containing nuclear envelope protein 1; minus strand). Cytogenetic location: 6q25.2.
Variant type: single nucleotide variant.
Coding change: c.10486G>T on transcript NM_182961.4 (MANE Select); coding-DNA position 10486, G replaced by T.
Protein change: p.Glu3496Ter; replaces glutamic acid 3496 with a stop codon.
Molecular consequence: nonsense.
Genome position (GRCh38, 1-based): chr6:152,358,495, C>A on the plus strand (G>T on the coding strand, the complement: SYNE1 is on the minus strand). VCF-style: chr6-152358495-C-A. GRCh37 (hg19) VCF-style: chr6-152679630-C-A.
Other names: c.10507G>T, p.Glu3503Ter (NM_033071.5); short protein forms E3496*, E3503*.
Identifiers: ClinVar variation 2684024 (VCV002684024.1), dbSNP rs144692175, ClinGen allele CA366128008.
Genomic context (GRCh38, chr6:152,358,495, plus strand): 5'-CGAGCTTTTCTTGTTCTTGCCCCAACCAAACTTCAAATGCCTTTAGGTCTCTCTGATACT[C>A]TTGGTGCAGGCGGACAAGTTTTTCAGACTTGGTTACGGCTTCCTATAATTAGCATTTAAA-3'